The following is an entry in ClinVar:

ClinVar aggregate classification (germline): Uncertain significance (1 of 4 stars; one submission).

gnomAD v4.1: 2 of 1,614,246 alleles (0.00012%); highest among the groups gnomAD compares: South Asian, 0.0011%; no homozygotes.

Submission:

Labcorp Genetics (formerly Invitae), Labcorp
Classification: Uncertain significance. Last evaluated: 2025-06-12. Review status: criteria provided, single submitter. Criteria: Invitae Variant Classification Sherloc (09022015). Collection method: clinical testing. Allele origin: germline.
Comment: This sequence change replaces glycine, which is neutral and non-polar, with glutamic acid, which is acidic and polar, at codon 515 of the LRP5 protein (p.Gly515Glu). This variant is not present in population databases (gnomAD no frequency). This variant has not been reported in the literature in individuals affected with LRP5-related conditions. ClinVar contains an entry for this variant (Variation ID: 3634233). Invitae Evidence Modeling of protein sequence and biophysical properties (such as structural, functional, and spatial information, amino acid conservation, physicochemical variation, residue mobility, and thermodynamic stability) indicates that this missense variant is not expected to disrupt LRP5 protein function with a negative predictive value of 95%. In summary, the available evidence is currently insufficient to determine the role of this variant in disease. Therefore, it has been classified as a Variant of Uncertain Significance.

NM_002335.4(LRP5):c.1544G>A (p.Gly515Glu)

Gene: LRP5 (LDL receptor related protein 5; plus strand). Cytogenetic location: 11q13.2.
Variant type: single nucleotide variant.
Coding change: c.1544G>A on transcript NM_002335.4 (MANE Select); coding-DNA position 1544, G replaced by A.
Protein change: p.Gly515Glu; replaces glycine 515 with glutamic acid.
Molecular consequence: missense variant. On other transcripts: intron variant (1).
Genome position (GRCh38, 1-based): chr11:68,390,012, G>A. VCF-style: chr11-68390012-G-A. GRCh37 (hg19) VCF-style: chr11-68157480-G-A.
Other names: c.-354+3300G>A (NM_001291902.2); short protein forms G515E.
Identifiers: ClinVar variation 3634233 (VCV003634233.2).